The following is an entry in ClinVar:

NM_020944.3(GBA2):c.2636G>A (p.Arg879Gln)

Gene: GBA2 (glucosylceramidase beta 2; minus strand). Cytogenetic location: 9p13.3.
Variant type: single nucleotide variant.
Coding change: c.2636G>A on transcript NM_020944.3 (MANE Select); coding-DNA position 2636, G replaced by A.
Protein change: p.Arg879Gln; replaces arginine 879 with glutamine.
Molecular consequence: missense variant. On other transcripts: 3 prime UTR variant (1).
Genome position (GRCh38, 1-based): chr9:35,737,317, C>T on the plus strand (G>A on the coding strand, the complement: GBA2 is on the minus strand). VCF-style: chr9-35737317-C-T. GRCh37 (hg19) VCF-style: chr9-35737314-C-T.
Other names: c.*159G>A (NM_001330660.2); short protein forms R879Q.
Identifiers: ClinVar variation 650307 (VCV000650307.7), dbSNP rs1588001500, ClinGen allele CA373400955.

ClinVar aggregate classification (germline): Likely pathogenic (1 of 4 stars; one submission).

Conditions:
Spastic paraplegia. Identifiers: MedGen C0037772, HP:0001258.

Allele frequency attached by ClinVar (database versions not stated): gnomAD exomes 0.00001.
gnomAD v4.1: 9 of 1,614,108 alleles (0.00056%); highest among the groups gnomAD compares: South Asian, 0.0011%; no homozygotes.

Submission:

Labcorp Genetics (formerly Invitae), Labcorp
Classification: Likely pathogenic for Spastic paraplegia. Last evaluated: 2023-11-06. Review status: criteria provided, single submitter. Criteria: Invitae Variant Classification Sherloc (09022015). Collection method: clinical testing. Allele origin: germline.
Comment: This sequence change replaces arginine, which is basic and polar, with glutamine, which is neutral and polar, at codon 879 of the GBA2 protein (p.Arg879Gln). This variant is not present in population databases (gnomAD no frequency). This missense change has been observed in individual(s) with clinical features of hereditary spastic paraplegia (PMID: 34251556; Invitae). In at least one individual the data is consistent with being in trans (on the opposite chromosome) from a pathogenic variant. ClinVar contains an entry for this variant (Variation ID: 650307). Advanced modeling of protein sequence and biophysical properties (such as structural, functional, and spatial information, amino acid conservation, physicochemical variation, residue mobility, and thermodynamic stability) performed at Invitae indicates that this missense variant is expected to disrupt GBA2 protein function with a positive predictive value of 80%. This variant disrupts the p.Arg879 amino acid residue in GBA2. Other variant(s) that disrupt this residue have been determined to be pathogenic (PMID: 29980238; Invitae). This suggests that this residue is clinically significant, and that variants that disrupt this residue are likely to be disease-causing. In summary, the currently available evidence indicates that the variant is pathogenic, but additional data are needed to prove that conclusively. Therefore, this variant has been classified as Likely Pathogenic.

Literature cited by the submitters: PubMed 34251556; PubMed 29980238.